The following is an entry in ClinVar:

ClinVar aggregate classification (germline): Uncertain significance (1 of 4 stars; one submission).

Conditions:
SH2B1-related disorder. Also called: SH2B1-related condition.

Submission:

PreventionGenetics, part of Exact Sciences
Classification: Uncertain significance for SH2B1-related condition. Last evaluated: 2026-05-17. Review status: criteria provided, single submitter. Criteria: ACMG Guidelines, 2015. Collection method: clinical testing. Allele origin: germline.
Comment: The SH2B1 c.1909A>G variant is predicted to result in the amino acid substitution p.Arg637Gly. To our knowledge, this variant has not been reported in the literature or in a large population database (gnomAD), indicating this variant is rare. At this time, the clinical significance of this variant is uncertain due to the absence of conclusive functional and genetic evidence.

NM_001387430.1(SH2B1):c.1897+12A>G

Gene: SH2B1 (SH2B adaptor protein 1; plus strand). Cytogenetic location: 16p11.2.
Variant type: single nucleotide variant.
Coding change: c.1897+12A>G on transcript NM_001387430.1 (MANE Select); 12 bases into the intron after coding-DNA position 1897, A replaced by G.
Molecular consequence: intron variant. On other transcripts: missense variant (1).
Genome position (GRCh38, 1-based): chr16:28,872,717, A>G. VCF-style: chr16-28872717-A-G. GRCh37 (hg19) VCF-style: chr16-28884038-A-G.
Other names: c.1909A>G, p.Arg637Gly (NM_001145797.2); c.1897+12A>G (NM_001308293.2, NM_001387404.1, NM_015503.3 and 3 more transcripts); c.889+12A>G (NM_001308294.2); short protein forms R637G.
Identifiers: ClinVar variation 4996713 (VCV004996713.1).